The following is an entry in ClinVar:

NM_020820.4(PREX1):c.3039C>T (p.Asn1013=)

Gene: PREX1 (phosphatidylinositol-3,4,5-trisphosphate dependent Rac exchange factor 1; minus strand). Cytogenetic location: 20q13.13.
Variant type: single nucleotide variant.
Coding change: c.3039C>T on transcript NM_020820.4 (MANE Select); coding-DNA position 3039, C replaced by T.
Protein change: p.Asn1013=; no amino-acid change (asparagine 1013 retained).
Molecular consequence: synonymous variant.
Genome position (GRCh38, 1-based): chr20:48,649,566, G>A on the plus strand (C>T on the coding strand, the complement: PREX1 is on the minus strand). VCF-style: chr20-48649566-G-A. GRCh37 (hg19) VCF-style: chr20-47266104-G-A.
Identifiers: ClinVar variation 2652379 (VCV002652379.24), dbSNP rs113202277, ClinGen allele CA9897039.

ClinVar aggregate classification (germline): Likely benign (1 of 4 stars; one submission).

Allele frequency attached by ClinVar (database versions not stated): ESP Exome Variant Server 0.00008; TOPMed 0.00012; ExAC 0.00014; gnomAD exomes 0.00017; gnomAD 0.00021.
gnomAD v4.1: 264 of 1,595,804 alleles (0.017%); highest among the groups gnomAD compares: Non-Finnish European, 0.021%; no homozygotes.

Submission:

CeGaT Center for Human Genetics Tuebingen
Classification: Likely benign. Last evaluated: 2022-05-01. Review status: criteria provided, single submitter. Criteria: CeGaT Center For Human Genetics Tuebingen Variant Classification Criteria Version 2. Collection method: clinical testing. Allele origin: germline. Affected: yes. Observed: 1 variant allele.
Comment: PREX1: BP4, BP7